The following is an entry in ClinVar:

NM_139276.3(STAT3):c.469-3C>T

Gene: STAT3 (signal transducer and activator of transcription 3; minus strand). Cytogenetic location: 17q21.2.
Variant type: single nucleotide variant.
Coding change: c.469-3C>T on transcript NM_139276.3 (MANE Select); 3 bases into the intron before coding-DNA position 469, C replaced by T.
Molecular consequence: intron variant.
Genome position (GRCh38, 1-based): chr17:42,338,815, G>A on the plus strand (C>T on the coding strand, the complement: STAT3 is on the minus strand). VCF-style: chr17-42338815-G-A. GRCh37 (hg19) VCF-style: chr17-40490833-G-A.
Other names: c.469-3C>T (NM_001384990.1, NM_001384992.1, NM_001384984.1 and 15 more transcripts); c.373-3C>T (NM_001384989.1); c.391-3C>T (NM_001384985.1).
Identifiers: ClinVar variation 3752718 (VCV003752718.2).
Genomic context (GRCh38, chr17:42,338,815, plus strand): 5'-AGTTGAAATCAAAGTCATCCTGGAGATTCTCTACCACTTTCATTTTCTGTTCTAGATCCT[G>A]TTTAAAATAAGCAAACAAAAAAACAGAAGTAAAGAAAGATTTCCTTGGGAACAGAAAATA-3'

ClinVar aggregate classification (germline): Uncertain significance (1 of 4 stars; one submission).

Conditions:
Hyper-IgE recurrent infection syndrome 1, autosomal dominant. Also called: STAT3 Hyper IgE Syndrome; Hyper-IgE recurrent infection syndrome 1; JOB SYNDROME; Job's Syndrome; HYPER-IgE SYNDROME 1, AUTOSOMAL DOMINANT, WITH RECURRENT INFECTIONS. Identifiers: Orphanet 2314, MedGen C2936739, MONDO:0007818, OMIM 147060.
STAT3 gain of function. Identifiers: MedGen C4288261.

Submission:

Labcorp Genetics (formerly Invitae), Labcorp
Classification: Uncertain significance for STAT3 gain of function; Hyper-IgE recurrent infection syndrome 1, autosomal dominant. Last evaluated: 2024-04-25. Review status: criteria provided, single submitter. Criteria: Invitae Variant Classification Sherloc (09022015). Collection method: clinical testing. Allele origin: germline.
Comment: This sequence change falls in intron 5 of the STAT3 gene. It does not directly change the encoded amino acid sequence of the STAT3 protein. It affects a nucleotide within the consensus splice site. This variant is not present in population databases (gnomAD no frequency). This variant has not been reported in the literature in individuals affected with STAT3-related conditions. Variants that disrupt the consensus splice site are a relatively common cause of aberrant splicing (PMID: 17576681, 9536098). Algorithms developed to predict the effect of sequence changes on RNA splicing suggest that this variant is not likely to affect RNA splicing. In summary, the available evidence is currently insufficient to determine the role of this variant in disease. Therefore, it has been classified as a Variant of Uncertain Significance.

Literature cited by the submitters: PubMed 17576681; PubMed 9536098.